The following is an entry in ClinVar:

ClinVar aggregate classification (germline): Uncertain significance. Review status: criteria provided, multiple submitters, no conflicts (2 of 4 stars). 2 submissions from 2 submitters: Uncertain significance (2). Last evaluated 2025-07-12.

Conditions:
Cardiovascular phenotype. Identifiers: MedGen CN230736.
Cutis laxa, autosomal recessive, type 1B (ARCL1B). Also called: EFEMP2-Related Cutis Laxa; CUTIS LAXA, AUTOSOMAL RECESSIVE, TYPE IB. Identifiers: Orphanet 90349, MedGen C3280798, MONDO:0013754, OMIM 614437. Disease mechanism: loss of function.

Allele frequency attached by ClinVar (database versions not stated): gnomAD exomes below 0.00001; TOPMed below 0.00001; ExAC 0.00001; gnomAD 0.00001.
gnomAD v4.1: 8 of 1,613,328 alleles (0.0005%); highest among the groups gnomAD compares: South Asian, 0.0033%; no homozygotes.

Submissions (2):

Ambry Genetics
Classification: Uncertain significance for Cardiovascular phenotype. Last evaluated: 2025-07-12. Review status: criteria provided, single submitter. Criteria: Ambry Variant Classification Scheme 2023. Collection method: clinical testing. Allele origin: germline.
Comment: The p.R169C variant (also known as c.505C>T), located in coding exon 5 of the EFEMP2 gene, results from a C to T substitution at nucleotide position 505. The arginine at codon 169 is replaced by cysteine, an amino acid with highly dissimilar properties. Another alteration affecting the same amino acid, p.R169H (c.506G>A), has been reported in a homozygous state in a subject with muscle weakness (Alfares A et al. Mol. Genet. Metab., 2017 06;121:91-95). This amino acid position is well conserved in available vertebrate species. In addition, this alteration is predicted to be deleterious by in silico analysis. Since supporting evidence is limited at this time, the clinical significance of this alteration remains unclear.

Labcorp Genetics (formerly Invitae), Labcorp
Classification: Uncertain significance for Cutis laxa, autosomal recessive, type 1B. Last evaluated: 2022-08-21. Review status: criteria provided, single submitter. Criteria: Invitae Variant Classification Sherloc (09022015). Collection method: clinical testing. Allele origin: germline.
Comment: This sequence change replaces arginine, which is basic and polar, with cysteine, which is neutral and slightly polar, at codon 169 of the EFEMP2 protein (p.Arg169Cys). This variant is present in population databases (rs762712612, gnomAD 0.003%). This variant has not been reported in the literature in individuals affected with EFEMP2-related conditions. ClinVar contains an entry for this variant (Variation ID: 841987). Algorithms developed to predict the effect of missense changes on protein structure and function (SIFT, PolyPhen-2, Align-GVGD) all suggest that this variant is likely to be disruptive. In summary, the available evidence is currently insufficient to determine the role of this variant in disease. Therefore, it has been classified as a Variant of Uncertain Significance.

NM_016938.5(EFEMP2):c.505C>T (p.Arg169Cys)

Gene: EFEMP2 (EGF-like fibulin extracellular matrix protein 2; minus strand). Cytogenetic location: 11q13.1.
Variant type: single nucleotide variant.
Coding change: c.505C>T on transcript NM_016938.5 (MANE Select); coding-DNA position 505, C replaced by T.
Protein change: p.Arg169Cys; replaces arginine 169 with cysteine.
Molecular consequence: missense variant. On other transcripts: non-coding transcript variant (1).
Genome position (GRCh38, 1-based): chr11:65,870,223, G>A on the plus strand (C>T on the coding strand, the complement: EFEMP2 is on the minus strand). VCF-style: chr11-65870223-G-A. GRCh37 (hg19) VCF-style: chr11-65637694-G-A.
Other names: short protein forms R169C.
Identifiers: ClinVar variation 841987 (VCV000841987.10), dbSNP rs762712612, ClinGen allele CA6110629.